The following is an entry in ClinVar:

ClinVar aggregate classification (germline): Pathogenic (1 of 4 stars; one submission).

Conditions:
Neurofibromatosis, type 1 (NF1). Also called: VON RECKLINGHAUSEN DISEASE; Neurofibromatosis, type I; NEUROFIBROMATOSIS, TYPE I, SOMATIC; Peripheral type neurofibromatosis. Identifiers: Orphanet 636, MedGen C0027831, MONDO:0018975, OMIM 162200. Disease mechanism: loss of function.

Submission:

Labcorp Genetics (formerly Invitae), Labcorp
Classification: Pathogenic for Neurofibromatosis, type 1. Last evaluated: 2025-05-07. Review status: criteria provided, single submitter. Criteria: Invitae Variant Classification Sherloc (09022015). Collection method: clinical testing. Allele origin: germline.
Comment: This variant, c.3759_3767delCTACCAACT, results in the deletion of 3 amino acid(s) of the NF1 protein (p.Tyr1254_Leu1256del), but otherwise preserves the integrity of the reading frame. This variant is not present in population databases (gnomAD no frequency). This variant has not been reported in the literature in individuals affected with NF1-related conditions. ClinVar contains an entry for this variant (Variation ID: 648655). This variant disrupts a region of the NF1 protein in which other variant(s) (p.Gln1255Arg) have been determined to be pathogenic (PMID: 21520333; internal data). This suggests that this is a clinically significant region of the protein, and that variants that disrupt it are likely to be disease-causing. For these reasons, this variant has been classified as Pathogenic.

Literature cited by the submitters: PubMed 21520333.

NM_001042492.3(NF1):c.3759_3767del (p.Tyr1254_Leu1256del)

Gene: NF1 (neurofibromin 1; plus strand). Cytogenetic location: 17q11.2.
Variant type: Deletion.
Coding change: c.3759_3767del on transcript NM_001042492.3 (MANE Select); coding-DNA positions 3759 to 3767, 9 bases deleted (CTACCAACT; older notation c.3759_3767delCTACCAACT).
Protein change: p.Tyr1254_Leu1256del.
Molecular consequence: inframe deletion. On other transcripts: inframe indel (1).
Genome position (GRCh38, 1-based): chr17:31,235,661-31,235,669, CTACCAACT deleted; deleting any 9 consecutive bases within chr17:31,235,658-31,235,669 gives the same sequence; the c. name uses the placement nearest the transcript's 3' end. VCF-style (leftmost placement, unchanged base first): chr17-31235657-TACTCTACCA-T. GRCh37 (hg19) VCF-style: chr17-29562675-TACTCTACCA-T.
Other names: c.3759_3767delCTACCAACT (NM_000267.3); c.3759_3767delCTACCAACT, p.Tyr1254_Leu1256del (NM_000267.4).
Identifiers: ClinVar variation 648655 (VCV000648655.2), dbSNP rs1597722477, ClinGen allele CA915949936.